The following is an entry in ClinVar:

NM_001385.3(DPYS):c.793+10G>T

Gene: DPYS (dihydropyrimidinase; minus strand). Cytogenetic location: 8q22.3.
Variant type: single nucleotide variant.
Coding change: c.793+10G>T on transcript NM_001385.3 (MANE Select); 10 bases into the intron after coding-DNA position 793, G replaced by T.
Molecular consequence: intron variant.
Genome position (GRCh38, 1-based): chr8:104,444,238, C>A on the plus strand (G>T on the coding strand, the complement: DPYS is on the minus strand). VCF-style: chr8-104444238-C-A. GRCh37 (hg19) VCF-style: chr8-105456466-C-A.
Identifiers: ClinVar variation 361451 (VCV000361451.16), dbSNP rs200495434, ClinGen allele CA4838473.

ClinVar aggregate classification (germline): Benign/Likely benign. Review status: criteria provided, multiple submitters, no conflicts (2 of 4 stars). 4 submissions from 4 submitters: Benign (1); Likely benign (3). Last evaluated 2025-12-24.

Conditions:
Dihydropyrimidinase deficiency (DPYSD). Also called: DPH DEFICIENCY; DPYS DEFICIENCY; dihydropyrimidinuria. Identifiers: Orphanet 38874, MedGen C0342803, MONDO:0009111, OMIM 222748.

Allele frequency attached by ClinVar (database versions not stated): 1000 Genomes Project 0.00060; 1000 Genomes Project 30x 0.00078; TOPMed 0.00201; ESP Exome Variant Server 0.00254.
gnomAD v4.1: 4,281 of 1,613,932 alleles (0.27%); highest among the groups gnomAD compares: Non-Finnish European, 0.33%; 12 homozygotes.

Submissions (4):

Labcorp Genetics (formerly Invitae), Labcorp
Classification: Benign. Last evaluated: 2025-12-24. Review status: criteria provided, single submitter. Criteria: Invitae Variant Classification Sherloc (09022015). Collection method: clinical testing. Allele origin: germline.

Blueprint Genetics
Classification: Likely benign. Last evaluated: 2024-11-26. Review status: criteria provided, single submitter. Criteria: ACMG Guidelines, 2015. Collection method: clinical testing. Allele origin: germline.

Illumina Laboratory Services, Illumina
Classification: Likely benign for Dihydropyrimidinase deficiency. Last evaluated: 2018-01-13. Review status: criteria provided, single submitter. Criteria: ICSL Variant Classification Criteria 13 December 2019. Collection method: clinical testing. Allele origin: germline.
Comment: This variant was observed in the ICSL laboratory as part of a predisposition screen in an ostensibly healthy population. It had not been previously curated by ICSL or reported in the Human Gene Mutation Database (HGMD: prior to June 1st, 2018), and was therefore a candidate for classification through an automated scoring system. Utilizing variant allele frequency, disease prevalence and penetrance estimates, and inheritance mode, an automated score was calculated to assess if this variant is too frequent to cause the disease. Based on the score and internal cut-off values, a variant classified as likely benign is not then subjected to further curation. The score for this variant resulted in a classification of likely benign for this disease.

Breakthrough Genomics
Classification: Likely benign. Review status: criteria provided, single submitter. Criteria: ACMG Guidelines, 2015. Collection method: not provided. Allele origin: germline. Inheritance: Autosomal recessive inheritance. Affected: yes.